The following is an entry in ClinVar:

NM_003383.5(VLDLR):c.2117G>T (p.Cys706Phe)

Gene: VLDLR (very low density lipoprotein receptor; plus strand). Cytogenetic location: 9p24.2.
Variant type: single nucleotide variant.
Coding change: c.2117G>T on transcript NM_003383.5 (MANE Select); coding-DNA position 2117, G replaced by T.
Protein change: p.Cys706Phe; replaces cysteine 706 with phenylalanine.
Molecular consequence: missense variant.
Genome position (GRCh38, 1-based): chr9:2,650,382, G>T. VCF-style: chr9-2650382-G-T. GRCh37 (hg19) VCF-style: chr9-2650382-G-T.
Other names: c.2117G>T, p.Cys706Phe (NM_001018056.3); c.1994G>T, p.Cys665Phe (NM_001322225.2, NM_001322226.2); short protein forms C706F, C665F.
Identifiers: ClinVar variation 64373 (VCV000064373.4), dbSNP rs397514750, ClinGen allele CA264229.
Genomic context (GRCh38, chr9:2,650,382, plus strand): 5'-ACTAGGCACCGGAATACCCATTTTAATGGTATTTTTTTTCCTGACTAGGTAAAAATTGGT[G>T]TGAAGAAGACATGGAGAATGGAGGATGTGAATACCTATGCCTGCCAGCACCACAGATTAA-3'
Protein context (NP_003374.3, residues 696-716): ELVQPSGKNW[Cys706Phe]EEDMENGGCE

ClinVar aggregate classification (germline): Pathogenic. Review status: criteria provided, single submitter (1 of 4 stars). 2 submissions from 2 submitters: Pathogenic (1). 1 of the submissions does not count toward it. Last evaluated 2024-10-04.

Conditions:
Cerebellar hypoplasia. Also called: Congenital cerebellar hypoplasia. Identifiers: MedGen C0266470, HP:0001321.
Cerebellar ataxia, impaired intellectual development, and dysequilibrium syndrome 1. Also called: Cerebellar hypoplasia and mental retardation with or without quadrupedal locomotion 1; Cerebellar ataxia, mental retardation, and dysequilibrium syndrome 1; VLDLR Cerebellar Hypoplasia; Cerebellar ataxia, intellectual disability, and dysequilibrium syndrome 1; CEREBELLAR ATAXIA AND MENTAL RETARDATION WITH OR WITHOUT QUADRUPEDAL LOCOMOTION 1; CEREBELLAR ATAXIA, CONGENITAL, AND MENTAL RETARDATION, AUTOSOMAL RECESSIVE. Identifiers: Orphanet 1766, MedGen C4551552, MONDO:0024542, OMIM 224050.

Submissions (2):

Dubai Health Genomic Medicine Center, Dubai Health
Classification: Pathogenic for Cerebellar hypoplasia. Last evaluated: 2024-10-04. Review status: criteria provided, single submitter. Criteria: ACMG Guidelines, 2015. Collection method: research. Allele origin: germline. Affected: yes.
Comment: PS3,PM3 (strong), PP3,PM2

OMIM
Classification: Pathogenic for CEREBELLAR ATAXIA, IMPAIRED INTELLECTUAL DEVELOPMENT, AND DYSEQUILIBRIUM SYNDROME 1. Last evaluated: 2012-09-14. Review status: no assertion criteria provided. Collection method: literature only. Allele origin: germline. Not counted in ClinVar's aggregate classification.

Literature cited by the submitters: PubMed 22973972 (cited by OMIM).